The following is an entry in ClinVar:

ClinVar aggregate classification (germline): Uncertain significance (1 of 4 stars; one submission).

Conditions:
KDM6A-related disorder. Also called: KDM6A-related condition.

Submission:

PreventionGenetics, part of Exact Sciences
Classification: Uncertain significance for KDM6A-related condition. Last evaluated: 2023-08-22. Review status: criteria provided, single submitter. Criteria: ACMG Guidelines, 2015. Collection method: clinical testing. Allele origin: germline.
Comment: The KDM6A c.113C>A variant is predicted to result in the amino acid substitution p.Ser38Tyr. To our knowledge, this variant has not been reported in the literature or in a large population database, indicating this variant is rare. At this time, the clinical significance of this variant is uncertain due to the absence of conclusive functional and genetic evidence.

NM_001291415.2(KDM6A):c.113C>A (p.Ser38Tyr)

Gene: KDM6A (lysine demethylase 6A; plus strand). Cytogenetic location: Xp11.3.
Variant type: single nucleotide variant.
Coding change: c.113C>A on transcript NM_001291415.2 (MANE Select); coding-DNA position 113, C replaced by A.
Protein change: p.Ser38Tyr; replaces serine 38 with tyrosine.
Molecular consequence: missense variant. On other transcripts: 5 prime UTR variant (1), non-coding transcript variant (1).
Genome position (GRCh38, 1-based): chrX:44,873,664, C>A. VCF-style: chrX-44873664-C-A. GRCh37 (hg19) VCF-style: chrX-44732910-C-A.
Other names: c.113C>A, p.Ser38Tyr (NM_001291416.2, NM_001291417.2, NM_001291418.2 and 9 more transcripts); c.-520C>A (NM_001291421.2); short protein forms S38Y.
Identifiers: ClinVar variation 2630964 (VCV002630964.1), dbSNP rs2146443655, ClinGen allele CA413020312.
Genomic context (GRCh38, chrX:44,873,664, plus strand): 5'-TCGGTGATGAGGAAAAGAAAATGGCGGCGGGAAAAGCGAGCGGCGAGAGCGAGGAGGCGT[C>A]CCCCAGCCTGACAGCCGAGGAGAGGGAGGCGCTCGGCGGACTGGACAGGTACGGGCCGCC-3'
Protein context (NP_001278344.1, residues 28-48): GKASGESEEA[Ser38Tyr]PSLTAEEREA